The following is an entry in ClinVar:

NM_001079802.2(FKTN):c.781-9T>C

Gene: FKTN (fukutin; plus strand). Cytogenetic location: 9q31.2.
Variant type: single nucleotide variant.
Coding change: c.781-9T>C on transcript NM_001079802.2 (MANE Select); 9 bases into the intron before coding-DNA position 781, T replaced by C.
Molecular consequence: intron variant.
Genome position (GRCh38, 1-based): chr9:105,615,269, T>C. VCF-style: chr9-105615269-T-C. GRCh37 (hg19) VCF-style: chr9-108377550-T-C.
Other names: c.781-9T>C (NM_006731.2, NM_001351496.2, NM_001198963.2 and 1 more transcripts); c.385-9T>C (NM_001351502.2, NM_001351499.2, NM_001351500.2 and 1 more transcripts); c.712-9T>C (NM_001351497.2).
Identifiers: ClinVar variation 449025 (VCV000449025.15), dbSNP rs370564232, ClinGen allele CA5170496.

ClinVar aggregate classification (germline): Conflicting classifications of pathogenicity. Review status: criteria provided, conflicting classifications (1 of 4 stars). 4 submissions from 4 submitters: Uncertain significance (2); Likely benign (2). Last evaluated 2026-01-22.

Conditions:
Walker-Warburg congenital muscular dystrophy. Also called: Muscular dystrophy-dystroglycanopathy, type A; Walker-Warburg syndrome. Identifiers: Orphanet 899, MedGen C0265221, MONDO:0000171.

Allele frequency attached by ClinVar (database versions not stated): ExAC 0.00002; gnomAD 0.00005 and 0.00006; TOPMed 0.00006; ESP Exome Variant Server 0.00008.
gnomAD v4.1: 33 of 1,613,584 alleles (0.002%); highest among the groups gnomAD compares: African/African-American, 0.004%; no homozygotes.

Submissions (4):

Labcorp Genetics (formerly Invitae), Labcorp
Classification: Likely benign for Walker-Warburg congenital muscular dystrophy. Last evaluated: 2026-01-22. Review status: criteria provided, single submitter. Criteria: Invitae Variant Classification Sherloc (09022015). Collection method: clinical testing. Allele origin: germline.

Blueprint Genetics
Classification: Likely benign. Last evaluated: 2024-09-10. Review status: criteria provided, single submitter. Criteria: ACMG Guidelines, 2015. Collection method: clinical testing. Allele origin: germline.

Women's Health and Genetics/Laboratory Corporation of America, LabCorp
Classification: Uncertain significance. Last evaluated: 2021-11-24. Review status: criteria provided, single submitter. Criteria: LabCorp Variant Classification Summary - May 2015. Collection method: clinical testing. Allele origin: germline.

GeneDx
Classification: Uncertain significance. Last evaluated: 2021-08-23. Review status: criteria provided, single submitter. Criteria: GeneDx Variant Classification Process June 2021. Collection method: clinical testing. Allele origin: germline. Affected: yes.
Comment: Not observed at significant frequency in large population cohorts (Lek et al., 2016); Has not been previously published as pathogenic or benign to our knowledge; In-silico analysis, which includes splice predictors and evolutionary conservation, is inconclusive as to whether the variant alters gene splicing. In the absence of RNA/functional studies, the actual effect of this sequence change is unknown.; This variant is associated with the following publications: (PMID: 26582918)